The following is an entry in ClinVar:

NM_000122.2(ERCC3):c.1813A>G (p.Ile605Val)

Gene: ERCC3 (ERCC excision repair 3, TFIIH core complex helicase subunit; minus strand). Cytogenetic location: 2q14.3.
Variant type: single nucleotide variant.
Coding change: c.1813A>G on transcript NM_000122.2 (MANE Select); coding-DNA position 1813, A replaced by G.
Protein change: p.Ile605Val; replaces isoleucine 605 with valine.
Molecular consequence: missense variant.
Genome position (GRCh38, 1-based): chr2:127,272,879, T>C on the plus strand (A>G on the coding strand, the complement: ERCC3 is on the minus strand). VCF-style: chr2-127272879-T-C. GRCh37 (hg19) VCF-style: chr2-128030455-T-C.
Other names: c.1621A>G, p.Ile541Val (NM_001303416.2, NM_001303418.2); short protein forms I605V, I541V.
Identifiers: ClinVar variation 2097555 (VCV002097555.4), dbSNP rs2468030494, ClinGen allele CA348387733.
Genomic context (GRCh38, chr2:127,272,879, plus strand): 5'-CCCAGAGTGCTAGGGGCCTCACCTCCACCCCATATGCCACACAAACCTTGGATATGAAGA[T>C]GGTGTTAATTTTGGGGTTGTGCTTGAAATTCTGGAGAATTTGCATCCTTTCCCCCTGAGA-3'
Protein context (NP_000113.1, residues 595-615): NFKHNPKINT[Ile605Val]FISKVGDTSF

ClinVar aggregate classification (germline): Uncertain significance (1 of 4 stars; one submission).

Allele frequency attached by ClinVar (database versions not stated): gnomAD exomes below 0.00001.
gnomAD v4.1: 4 of 1,612,006 alleles (0.00025%); highest among the groups gnomAD compares: African/African-American, 0.0013%; no homozygotes.

Submission:

Labcorp Genetics (formerly Invitae), Labcorp
Classification: Uncertain significance. Last evaluated: 2023-08-30. Review status: criteria provided, single submitter. Criteria: Invitae Variant Classification Sherloc (09022015). Collection method: clinical testing. Allele origin: germline.
Comment: In summary, the available evidence is currently insufficient to determine the role of this variant in disease. Therefore, it has been classified as a Variant of Uncertain Significance. Advanced modeling of protein sequence and biophysical properties (such as structural, functional, and spatial information, amino acid conservation, physicochemical variation, residue mobility, and thermodynamic stability) performed at Invitae indicates that this missense variant is not expected to disrupt ERCC3 protein function. ClinVar contains an entry for this variant (Variation ID: 2097555). This variant has not been reported in the literature in individuals affected with ERCC3-related conditions. This variant is not present in population databases (gnomAD no frequency). This sequence change replaces isoleucine, which is neutral and non-polar, with valine, which is neutral and non-polar, at codon 605 of the ERCC3 protein (p.Ile605Val).